The following is an entry in ClinVar:

ClinVar aggregate classification (germline): Uncertain significance (1 of 4 stars; one submission).

gnomAD v4.1: 6 of 1,613,500 alleles (0.00037%); highest among the groups gnomAD compares: Admixed American, 0.0017%; no homozygotes.

Submission:

Labcorp Genetics (formerly Invitae), Labcorp
Classification: Uncertain significance. Last evaluated: 2022-07-17. Review status: criteria provided, single submitter. Criteria: Invitae Variant Classification Sherloc (09022015). Collection method: clinical testing. Allele origin: germline.
Comment: This sequence change replaces valine, which is neutral and non-polar, with methionine, which is neutral and non-polar, at codon 78 of the RBP3 protein (p.Val78Met). This variant is present in population databases (rs782207485, gnomAD 0.003%). This variant has not been reported in the literature in individuals affected with RBP3-related conditions. Algorithms developed to predict the effect of missense changes on protein structure and function are either unavailable or do not agree on the potential impact of this missense change (SIFT: "Deleterious"; PolyPhen-2: "Probably Damaging"; Align-GVGD: "Class C15"). In summary, the available evidence is currently insufficient to determine the role of this variant in disease. Therefore, it has been classified as a Variant of Uncertain Significance.

NM_002900.3(RBP3):c.232G>A (p.Val78Met)

Gene: RBP3 (retinol binding protein 3; plus strand). Cytogenetic location: 10q11.22.
Variant type: single nucleotide variant.
Coding change: c.232G>A on transcript NM_002900.3 (MANE Select); coding-DNA position 232, G replaced by A.
Protein change: p.Val78Met; replaces valine 78 with methionine.
Molecular consequence: missense variant.
Genome position (GRCh38, 1-based): chr10:47,348,716, G>A. VCF-style: chr10-47348716-G-A. GRCh37 (hg19) VCF-style: chr10-48390646-C-T.
Other names: short protein forms V78M.
Identifiers: ClinVar variation 1961634 (VCV001961634.5), dbSNP rs782207485, ClinGen allele CA5487836.